The following is an entry in ClinVar:

ClinVar aggregate classification (germline): Uncertain significance (1 of 4 stars; one submission).

gnomAD v4.1: 23 of 1,545,012 alleles (0.0015%); highest among the groups gnomAD compares: Non-Finnish European, 0.0015%; no homozygotes.

Submission:

GeneDx
Classification: Uncertain significance. Last evaluated: 2026-07-29. Review status: criteria provided, single submitter. Criteria: GeneDx Variant Classification Process June 2021. Collection method: clinical testing. Allele origin: germline.
Comment: Not observed at significant frequency in large population cohorts (gnomAD); In silico analysis supports that this missense variant has a deleterious effect on protein structure/function; Has not been previously published as pathogenic or benign to our knowledge

NM_001009944.3(PKD1):c.11570A>G (p.Tyr3857Cys)

Genes: PKD1 (polycystin 1, transient receptor potential channel interacting; minus strand), PKD1-AS1 (PKD1 antisense RNA 1; plus strand). Cytogenetic location: 16p13.3.
Variant type: single nucleotide variant.
Coding change: c.11570A>G on transcript NM_001009944.3 (MANE Select); coding-DNA position 11570, A replaced by G.
Protein change: p.Tyr3857Cys; replaces tyrosine 3857 with cysteine.
Molecular consequence: missense variant. On other transcripts: non-coding transcript variant (1).
Genome position (GRCh38, 1-based): chr16:2,091,565, T>C on the plus strand (A>G on the coding strand, the complement: PKD1 is on the minus strand). VCF-style: chr16-2091565-T-C. GRCh37 (hg19) VCF-style: chr16-2141566-T-C.
Other names: c.11567A>G, p.Tyr3856Cys (NM_000296.4); short protein forms Y3856C, Y3857C.
Identifiers: ClinVar variation 3766131 (VCV003766131.2).
Genomic context (GRCh38, chr16:2,091,565, plus strand): 5'-CCGGCCGCCGGGAACTCGAGGCGCAGCGTGACGGCGGCGTGCAGCCCCACGGCCGGGCTG[T>C]AGCGCGTGAGCTCCAGGAACACAGCGCGGCTCCTGCGCAGAGGGTGCGGGTCAGTAGGAG-3'
Protein context (NP_001009944.3, residues 3847-3867): SRAVFLELTR[Tyr3857Cys]SPAVGLHAAV